The following is an entry in ClinVar:

NM_002693.3(POLG):c.1712+238C>T

Gene: POLG (DNA polymerase gamma, catalytic subunit; minus strand). Cytogenetic location: 15q26.1.
Variant type: single nucleotide variant.
Coding change: c.1712+238C>T on transcript NM_002693.3 (MANE Select); 238 bases into the intron after coding-DNA position 1712, C replaced by T.
Molecular consequence: intron variant.
Genome position (GRCh38, 1-based): chr15:89,326,374, G>A on the plus strand (C>T on the coding strand, the complement: POLG is on the minus strand). VCF-style: chr15-89326374-G-A. GRCh37 (hg19) VCF-style: chr15-89869605-G-A.
Other names: c.1712+238C>T (NM_001126131.2).
Identifiers: ClinVar variation 677381 (VCV000677381.1), dbSNP rs2351001, ClinGen allele CA274555313.

ClinVar aggregate classification (germline): Benign (1 of 4 stars; one submission).

Allele frequency attached by ClinVar (database versions not stated): gnomAD 0.07478 and 0.08005; 1000 Genomes Project 0.08167; TOPMed 0.08340.

Submission:

GeneDx
Classification: Benign. Last evaluated: 2018-06-14. Review status: criteria provided, single submitter. Criteria: GeneDx Variant Classification (06012015). Collection method: clinical testing. Allele origin: germline. Affected: yes.
Comment: This variant is considered likely benign or benign based on one or more of the following criteria: it is a conservative change, it occurs at a poorly conserved position in the protein, it is predicted to be benign by multiple in silico algorithms, and/or has population frequency not consistent with disease.